The following is an entry in ClinVar:

NM_015267.4(CUX2):c.2643G>A (p.Pro881=)

Gene: CUX2 (cut like homeobox 2; plus strand). Cytogenetic location: 12q24.12.
Variant type: single nucleotide variant.
Coding change: c.2643G>A on transcript NM_015267.4 (MANE Select); coding-DNA position 2643, G replaced by A.
Protein change: p.Pro881=; no amino-acid change (proline 881 retained).
Molecular consequence: synonymous variant.
Genome position (GRCh38, 1-based): chr12:111,320,652, G>A. VCF-style: chr12-111320652-G-A. GRCh37 (hg19) VCF-style: chr12-111758456-G-A.
Other names: c.2457G>A, p.Pro819= (NM_001370598.1).
Identifiers: ClinVar variation 710752 (VCV000710752.37), dbSNP rs200061368, ClinGen allele CA6788922.

ClinVar aggregate classification (germline): Benign/Likely benign. Review status: criteria provided, multiple submitters, no conflicts (2 of 4 stars). 4 submissions from 4 submitters: Benign (3); Likely benign (1). Last evaluated 2026-09-01.

Conditions:
Developmental and epileptic encephalopathy, 67. Also called: EPILEPTIC ENCEPHALOPATHY, EARLY INFANTILE, 67. Identifiers: MedGen C4748341, MONDO:0029138, OMIM 618141.

Allele frequency attached by ClinVar (database versions not stated): 1000 Genomes Project 30x 0.00281; 1000 Genomes Project 0.00300; gnomAD 0.00401 and 0.00430; TOPMed 0.00429; ESP Exome Variant Server 0.00526; gnomAD exomes 0.00579 and 0.00625; ExAC 0.00761.
gnomAD v4.1: 9,721 of 1,596,588 alleles (0.61%); highest among the groups gnomAD compares: South Asian, 1.4%; 65 homozygotes.

Submissions (4):

CeGaT Center for Human Genetics Tuebingen
Classification: Benign. Last evaluated: 2026-09-01. Review status: criteria provided, single submitter. Criteria: CeGaT Center For Human Genetics Tuebingen Variant Classification Criteria Version 2. Collection method: clinical testing. Allele origin: germline. Affected: yes. Observed: 45 variant alleles.
Comment: CUX2: BP4, BP7, BS1, BS2

Fulgent Genetics
Classification: Likely benign for Developmental and epileptic encephalopathy, 67. Last evaluated: 2021-08-03. Review status: criteria provided, single submitter. Criteria: ACMG Guidelines, 2015. Collection method: clinical testing. Allele origin: unknown.

Labcorp Genetics (formerly Invitae), Labcorp
Classification: Benign. Last evaluated: 2019-12-31. Review status: criteria provided, single submitter. Criteria: Invitae Variant Classification Sherloc (09022015). Collection method: clinical testing. Allele origin: germline.

Breakthrough Genomics
Classification: Benign. Review status: criteria provided, single submitter. Criteria: ACMG Guidelines, 2015. Collection method: not provided. Allele origin: germline. Inheritance: Autosomal dominant inheritance. Affected: yes.